The following is an entry in ClinVar:

NC_000014.9:g.100860980G>A

Gene: MEG3 (maternally expressed 3; plus strand). Cytogenetic location: 14q32.2.
Variant type: single nucleotide variant.
Molecular consequence: non-coding transcript variant (on NR_002766.2).
Genome position: GRCh38 VCF-style: chr14-100860980-G-A. GRCh37 (hg19) VCF-style: chr14-101327317-G-A.
Identifiers: ClinVar variation 3037629 (VCV003037629.2), dbSNP rs58102709, ClinGen allele CA266878681.

ClinVar aggregate classification (germline): Benign (0 of 4 stars; one submission).

Conditions:
MEG3-related disorder. Also called: MEG3-related condition.

Allele frequency attached by ClinVar (database versions not stated): gnomAD exomes 0.00045; gnomAD 0.00706; TOPMed 0.00751; 1000 Genomes Project 0.00779; 1000 Genomes Project 30x 0.00906.
gnomAD v4.1: 1,131 of 300,730 alleles (0.38%); highest among the groups gnomAD compares: African/African-American, 2.4%; 11 homozygotes.

Submission:

PreventionGenetics, part of Exact Sciences
Classification: Benign for MEG3-related condition. Last evaluated: 2019-03-12. Review status: no assertion criteria provided. Collection method: clinical testing. Allele origin: germline.
Comment: This variant is classified as benign based on ACMG/AMP sequence variant interpretation guidelines (Richards et al. 2015 PMID: 25741868, with internal and published modifications).